The following is an entry in ClinVar:

NM_003803.4(MYOM1):c.834G>T (p.Glu278Asp)

Gene: MYOM1 (myomesin 1; minus strand). Cytogenetic location: 18p11.31.
Variant type: single nucleotide variant.
Coding change: c.834G>T on transcript NM_003803.4 (MANE Select); coding-DNA position 834, G replaced by T.
Protein change: p.Glu278Asp; replaces glutamic acid 278 with aspartic acid.
Molecular consequence: missense variant.
Genome position (GRCh38, 1-based): chr18:3,187,575, C>A on the plus strand (G>T on the coding strand, the complement: MYOM1 is on the minus strand). VCF-style: chr18-3187575-C-A. GRCh37 (hg19) VCF-style: chr18-3187573-C-A.
Other names: c.834G>T, p.Glu278Asp (NM_019856.2); short protein forms E278D.
Identifiers: ClinVar variation 4764010 (VCV004764010.1).
Genomic context (GRCh38, chr18:3,187,575, plus strand): 5'-GCAATGCAATTTTACATTCTCCTTCTCCCAAACCGTGTGGGAGCGAGGTTTAATGATAAA[C>A]TCAGGAGCATGGAGAAGATGGTCTTCATTCAGCTTGGCATGATATGTCTCGGTTTCTTCT-3'
Protein context (NP_003794.3, residues 268-288): LNEDHLLHAP[Glu278Asp]FIIKPRSHTV

ClinVar aggregate classification (germline): Uncertain significance (1 of 4 stars; one submission).

Conditions:
Hypertrophic cardiomyopathy. Also called: HYPERTROPHIC MYOCARDIOPATHY. Identifiers: Orphanet 217569, MedGen C0007194, MeSH D002312, MONDO:0005045, HP:0001639.

gnomAD v4.1: 4 of 1,613,724 alleles (0.00025%); highest among the groups gnomAD compares: South Asian, 0.0044%; no homozygotes.

Submission:

Labcorp Genetics (formerly Invitae), Labcorp
Classification: Uncertain significance for Hypertrophic cardiomyopathy. Last evaluated: 2025-02-27. Review status: criteria provided, single submitter. Criteria: Invitae Variant Classification Sherloc (09022015). Collection method: clinical testing. Allele origin: germline.
Comment: This sequence change replaces glutamic acid, which is acidic and polar, with aspartic acid, which is acidic and polar, at codon 278 of the MYOM1 protein (p.Glu278Asp). This variant is not present in population databases (gnomAD no frequency). This variant has not been reported in the literature in individuals affected with MYOM1-related conditions. Invitae Evidence Modeling of protein sequence and biophysical properties (such as structural, functional, and spatial information, amino acid conservation, physicochemical variation, residue mobility, and thermodynamic stability) indicates that this missense variant is not expected to disrupt MYOM1 protein function with a negative predictive value of 80%. In summary, the available evidence is currently insufficient to determine the role of this variant in disease. Therefore, it has been classified as a Variant of Uncertain Significance.